The following is an entry in ClinVar:

NM_001244008.2(KIF1A):c.609-3C>T

Gene: KIF1A (kinesin family member 1A; minus strand). Cytogenetic location: 2q37.3.
Variant type: single nucleotide variant.
Coding change: c.609-3C>T on transcript NM_001244008.2 (MANE Select); 3 bases into the intron before coding-DNA position 609, C replaced by T.
Molecular consequence: intron variant.
Genome position (GRCh38, 1-based): chr2:240,785,103, G>A on the plus strand (C>T on the coding strand, the complement: KIF1A is on the minus strand). VCF-style: chr2-240785103-G-A. GRCh37 (hg19) VCF-style: chr2-241724520-G-A.
Other names: c.609-3C>T (NM_001379653.1, NM_001379650.1, NM_001379645.1 and 20 more transcripts).
Identifiers: ClinVar variation 942793 (VCV000942793.10), dbSNP rs2054554619, ClinGen allele CA1139657808.

ClinVar aggregate classification (germline): Uncertain significance (1 of 4 stars; one submission).

Conditions:
Neuropathy, hereditary sensory, type 2C. Also called: KIF1A-Related HSAN2 (HSAN2C); Hereditary sensory and autonomic neuropathy type IIC. Identifiers: Orphanet 970, MedGen C3280168, MONDO:0013634, OMIM 614213.
Intellectual disability, autosomal dominant 9 (NESCAVS). Also called: NESCAV SYNDROME; KIF1A-Related Neurodevelopmental Disorder. Identifiers: Orphanet 662367, MedGen C5393830, MONDO:0013656, OMIM 614255.
Hereditary spastic paraplegia 30. Identifiers: Orphanet 101010, MedGen C5235139, MONDO:0012476.

Allele frequency attached by ClinVar (database versions not stated): TOPMed 0.00001.
gnomAD v4.1: 1 of 1,611,460 alleles (0.000062%); no homozygotes.

Submission:

Labcorp Genetics (formerly Invitae), Labcorp
Classification: Uncertain significance for Hereditary spastic paraplegia 30; Neuropathy, hereditary sensory, type 2C; Intellectual disability, autosomal dominant 9. Last evaluated: 2025-08-09. Review status: criteria provided, single submitter. Criteria: Invitae Variant Classification Sherloc (09022015). Collection method: clinical testing. Allele origin: germline.
Comment: This sequence change falls in intron 5 of the KIF1A gene. It does not directly change the encoded amino acid sequence of the KIF1A protein. It affects a nucleotide within the consensus splice site. This variant is not present in population databases (gnomAD no frequency). This variant has not been reported in the literature in individuals affected with KIF1A-related conditions. ClinVar contains an entry for this variant (Variation ID: 942793). Variants that disrupt the consensus splice site are a relatively common cause of aberrant splicing (PMID: 17576681, 9536098). Algorithms developed to predict the effect of sequence changes on RNA splicing suggest that this variant is not likely to affect RNA splicing. In summary, the available evidence is currently insufficient to determine the role of this variant in disease. Therefore, it has been classified as a Variant of Uncertain Significance.

Literature cited by the submitters: PubMed 17576681; PubMed 9536098.